The following is an entry in ClinVar:

ClinVar aggregate classification (germline): Likely benign. Review status: criteria provided, multiple submitters, no conflicts (2 of 4 stars). 3 submissions from 3 submitters: Likely benign (2). 1 of the submissions does not count toward it. Last evaluated 2026-09-01.

Conditions:
CAPN15-related disorder. Also called: CAPN15-related condition.

gnomAD v4.1: 422 of 1,540,066 alleles (0.027%); highest among the groups gnomAD compares: African/African-American, 0.43%; 1 homozygote.

Submissions (3):

CeGaT Center for Human Genetics Tuebingen
Classification: Likely benign. Last evaluated: 2026-09-01. Review status: criteria provided, single submitter. Criteria: CeGaT Center For Human Genetics Tuebingen Variant Classification Criteria Version 2. Collection method: clinical testing. Allele origin: germline. Affected: yes. Observed: 2 variant alleles.
Comment: CAPN15: BP4, BP7

Blueprint Genetics
Classification: Likely benign. Last evaluated: 2024-08-16. Review status: criteria provided, single submitter. Criteria: ACMG Guidelines, 2015. Collection method: clinical testing. Allele origin: germline.

PreventionGenetics, part of Exact Sciences
Classification: Likely benign for CAPN15-related condition. Last evaluated: 2024-08-01. Review status: no assertion criteria provided. Collection method: clinical testing. Allele origin: germline. Not counted in ClinVar's aggregate classification.
Comment: This variant is classified as likely benign based on ACMG/AMP sequence variant interpretation guidelines (Richards et al. 2015 PMID: 25741868, with internal and published modifications).

NM_005632.3(CAPN15):c.1845G>A (p.Ala615=)

Gene: CAPN15 (calpain 15; plus strand). Cytogenetic location: 16p13.3.
Variant type: single nucleotide variant.
Coding change: c.1845G>A on transcript NM_005632.3 (MANE Select); coding-DNA position 1845, G replaced by A.
Protein change: p.Ala615=; no amino-acid change (alanine 615 retained).
Molecular consequence: synonymous variant.
Genome position (GRCh38, 1-based): chr16:549,617, G>A. VCF-style: chr16-549617-G-A. GRCh37 (hg19) VCF-style: chr16-599617-G-A.
Identifiers: ClinVar variation 3349177 (VCV003349177.9).
Genomic context (GRCh38, chr16:549,617, plus strand): 5'-CCCAGGGCGGGTAGTGTGGGGGGCGGGCGGGGGTGGCCTCTGACCCGGCCCTCTGCAGGC[G>A]CAGCGGAAGCAGCTGTGGGTGGCCCTCATCGAGAAGGCGCTGGCCAAGCTGCACGGCTCC-3'
Protein context (NP_005623.1, residues 605-625): DEAGCLLFSQ[Ala615=]QRKQLWVALI